The following is an entry in ClinVar:

ClinVar aggregate classification (germline): Benign/Likely benign. Review status: criteria provided, multiple submitters, no conflicts (2 of 4 stars). 15 submissions from 15 submitters: Benign (7); Likely benign (7). 1 of the submissions does not count toward it. Last evaluated 2025-12-15.

Conditions:
Lymphangiomyomatosis (LAM). Also called: Lymphangioleiomyomatosis; Lymphangioleiomyomatosis, somatic. Identifiers: Orphanet 538, MedGen C0751674, MONDO:0011705, OMIM 606690.
Isolated focal cortical dysplasia type II (FCORD2). Also called: Focal cortical dysplasia type II; CORTICAL DYSPLASIA OF TAYLOR. Identifiers: Orphanet 268994, MedGen C1846385, MONDO:0011818, OMIM 607341, HP:0032051.
Tuberous sclerosis 2 (TSC2). Identifiers: Orphanet 805, MedGen C1860707, MONDO:0013199, OMIM 613254.
TSC2-related disorder. Also called: TSC2-Related Disorders; TSC2-related condition.
Hereditary cancer-predisposing syndrome. Also called: Hereditary Cancer Syndrome; Neoplastic Syndromes, Hereditary; Hereditary neoplastic syndrome; Tumor predisposition. Identifiers: Orphanet 140162, MedGen C0027672, MeSH D009386, MONDO:0015356.
Tuberous sclerosis syndrome (TSC). Also called: Tuberous Sclerosis Complex; Tuberous sclerosis. Identifiers: Orphanet 805, MedGen C0041341, MONDO:0001734.

Allele frequency attached by ClinVar (database versions not stated): TOPMed 0.00001; 1000 Genomes Project 30x 0.00016; 1000 Genomes Project 0.00020.
gnomAD v4.1: 104 of 1,612,744 alleles (0.0064%); highest among the groups gnomAD compares: South Asian, 0.11%; no homozygotes.

Submissions (15):

Labcorp Genetics (formerly Invitae), Labcorp
Classification: Benign for Tuberous sclerosis 2. Last evaluated: 2025-12-15. Review status: criteria provided, single submitter. Criteria: Invitae Variant Classification Sherloc (09022015). Collection method: clinical testing. Allele origin: germline.

PreventionGenetics, part of Exact Sciences
Classification: Likely benign for TSC2-related condition. Last evaluated: 2024-12-06. Review status: criteria provided, single submitter. Criteria: ACMG Guidelines, 2015. Collection method: clinical testing. Allele origin: germline.
Comment: This variant is classified as likely benign based on ACMG/AMP sequence variant interpretation guidelines (Richards et al. 2015 PMID: 25741868, with internal and published modifications).

Blueprint Genetics
Classification: Likely benign. Last evaluated: 2024-09-11. Review status: criteria provided, single submitter. Criteria: ACMG Guidelines, 2015. Collection method: clinical testing. Allele origin: germline.

Myriad Genetics, Inc.
Classification: Likely benign for Tuberous sclerosis 2. Last evaluated: 2024-08-06. Review status: criteria provided, single submitter. Criteria: Myriad Autosomal Dominant, Autosomal Recessive and X-Linked Classification Criteria (2023). Collection method: clinical testing. Allele origin: unknown.
Comment: This variant is considered likely benign. This variant has been observed at a population frequency that is significantly greater than expected given the associated disease prevalence and penetrance.

All of Us Research Program, National Institutes of Health
Classification: Benign for Tuberous sclerosis syndrome. Last evaluated: 2024-05-09. Review status: criteria provided, single submitter. Criteria: ACMG Guidelines, 2015. Collection method: clinical testing. Allele origin: germline. Inheritance: Autosomal dominant inheritance. Observed: 4 variant alleles, 4 heterozygotes.
Comment: This study involves interpretation of variants in research participants for the purpose of population health screening. Participant phenotype was not available at the time of variant classification. Additional details can be found in publication PMID: 35346344, PMCID: PMC8962531

Department of Pathology and Laboratory Medicine, Sinai Health System
Classification: Likely benign for Tuberous sclerosis 2. Last evaluated: 2024-02-02. Review status: criteria provided, single submitter. Criteria: ACMG Guidelines, 2015. Collection method: clinical testing. Allele origin: germline. Affected: yes.

KCCC/NGS Laboratory, Kuwait Cancer Control Center
Classification: Benign for Tuberous sclerosis 2. Last evaluated: 2023-07-07. Review status: criteria provided, single submitter. Criteria: ACMG Guidelines, 2015. Collection method: clinical testing. Allele origin: germline. Affected: yes.

Quest Diagnostics Nichols Institute San Juan Capistrano
Classification: Benign. Last evaluated: 2022-10-31. Review status: criteria provided, single submitter. Criteria: Quest Diagnostics criteria. Collection method: clinical testing. Allele origin: unknown.
Comment: The frequency of this variant in the general population is higher than would generally be expected for pathogenic variants in this gene. Computational tools predict this amino acid change may be benign.

Color Diagnostics, LLC DBA Color Health
Classification: Benign for Tuberous sclerosis syndrome. Last evaluated: 2022-09-30. Review status: criteria provided, single submitter. Criteria: ACMG Guidelines, 2015. Collection method: clinical testing. Allele origin: germline.

Fulgent Genetics
Classification: Likely benign for Lymphangiomyomatosis; Isolated focal cortical dysplasia type II; Tuberous sclerosis 2. Last evaluated: 2022-01-06. Review status: criteria provided, single submitter. Criteria: ACMG Guidelines, 2015. Collection method: clinical testing. Allele origin: unknown.

Genome-Nilou Lab
Classification: Benign for Tuberous sclerosis 2. Last evaluated: 2021-11-07. Review status: criteria provided, single submitter. Criteria: ACMG Guidelines, 2015. Collection method: clinical testing. Allele origin: germline. Affected: no.

Sema4
Classification: Benign for Hereditary cancer-predisposing syndrome. Last evaluated: 2021-09-16. Review status: criteria provided, single submitter. Criteria: Sema4 Curation Guidelines. Collection method: curation. Allele origin: germline.

Ambry Genetics
Classification: Likely benign for Hereditary cancer-predisposing syndrome. Last evaluated: 2018-08-03. Review status: criteria provided, single submitter. Criteria: Ambry Variant Classification Scheme 2023. Collection method: clinical testing. Allele origin: germline.

GeneDx
Classification: Likely benign. Last evaluated: 2018-07-25. Review status: criteria provided, single submitter. Criteria: GeneDx Variant Classification Process June 2021. Collection method: clinical testing. Allele origin: germline. Affected: yes.
Comment: This variant is associated with the following publications: (PMID: 28481359)

Tuberous sclerosis database (TSC2)
No classification provided. Condition: TSC. Review status: no classification provided. Criteria: Tuberous Sclerosis Database Assertion Criteria 2015. Collection method: curation. Allele origin: germline. Affected: yes. Not counted in ClinVar's aggregate classification.

NM_000548.5(TSC2):c.3281C>T (p.Ser1094Leu)

Gene: TSC2 (TSC complex subunit 2; plus strand). Cytogenetic location: 16p13.3.
Variant type: single nucleotide variant.
Coding change: c.3281C>T on transcript NM_000548.5 (MANE Select); coding-DNA position 3281, C replaced by T.
Protein change: p.Ser1094Leu; replaces serine 1094 with leucine.
Molecular consequence: missense variant.
Genome position (GRCh38, 1-based): chr16:2,079,425, C>T. VCF-style: chr16-2079425-C-T. GRCh37 (hg19) VCF-style: chr16-2129426-C-T.
Other names: c.3281C>T (NM_000548.4); c.3149C>T, p.Ser1050Leu (NM_001077183.3, NM_001370404.1); c.3281C>T, p.Ser1094Leu (NM_001114382.3); c.3041C>T, p.Ser1014Leu (NM_001318827.2); c.3005C>T, p.Ser1002Leu (NM_001318829.2); c.2549C>T, p.Ser850Leu (NM_001318831.2); c.3182C>T, p.Ser1061Leu (NM_001318832.2); c.3152C>T, p.Ser1051Leu (NM_001363528.2, NM_001370405.1, NM_021055.3); short protein forms S1094L, S1014L, S1050L, S1061L, S1002L, S1051L, S850L.
Identifiers: ClinVar variation 64856 (VCV000064856.31), dbSNP rs397514887, ClinGen allele CA018808.